The following is an entry in ClinVar:

ClinVar aggregate classification (germline): Uncertain significance (1 of 4 stars; one submission).

Conditions:
PCNT-related disorder. Also called: PCNT-related condition.

Submission:

PreventionGenetics, part of Exact Sciences
Classification: Uncertain significance for PCNT-related condition. Last evaluated: 2025-05-28. Review status: criteria provided, single submitter. Criteria: ACMG Guidelines, 2015. Collection method: clinical testing. Allele origin: germline.
Comment: The PCNT c.7973A>T variant is predicted to result in the amino acid substitution p.Glu2658Val. To our knowledge, this variant has not been reported in the literature or in a large population database (gnomAD), indicating this variant is rare. At this time, the clinical significance of this variant is uncertain due to the absence of conclusive functional and genetic evidence.

NM_006031.6(PCNT):c.7973A>T (p.Glu2658Val)

Gene: PCNT (pericentrin; plus strand). Cytogenetic location: 21q22.3.
Variant type: single nucleotide variant.
Coding change: c.7973A>T on transcript NM_006031.6 (MANE Select); coding-DNA position 7973, A replaced by T.
Protein change: p.Glu2658Val; replaces glutamic acid 2658 with valine.
Molecular consequence: missense variant.
Genome position (GRCh38, 1-based): chr21:46,430,566, A>T. VCF-style: chr21-46430566-A-T. GRCh37 (hg19) VCF-style: chr21-47850480-A-T.
Other names: c.7619A>T, p.Glu2540Val (NM_001315529.2); short protein forms E2540V, E2658V.
Identifiers: ClinVar variation 4999896 (VCV004999896.1).